The following is an entry in ClinVar:

ClinVar aggregate classification (germline): Uncertain significance. Review status: criteria provided, multiple submitters, no conflicts (2 of 4 stars). 2 submissions from 2 submitters: Uncertain significance (2). Last evaluated 2025-04-01.

Conditions:
Inborn genetic diseases. Identifiers: MedGen C0950123, MeSH D030342.

Allele frequency attached by ClinVar (database versions not stated): gnomAD exomes below 0.00001.

Submissions (2):

Ambry Genetics
Classification: Uncertain significance for Inborn genetic diseases. Last evaluated: 2025-04-01. Review status: criteria provided, single submitter. Criteria: Ambry Variant Classification Scheme 2023. Collection method: clinical testing. Allele origin: germline.

Labcorp Genetics (formerly Invitae), Labcorp
Classification: Uncertain significance. Last evaluated: 2022-03-13. Review status: criteria provided, single submitter. Criteria: Invitae Variant Classification Sherloc (09022015). Collection method: clinical testing. Allele origin: germline.
Comment: This sequence change replaces valine, which is neutral and non-polar, with alanine, which is neutral and non-polar, at codon 938 of the LAMB1 protein (p.Val938Ala). In summary, the available evidence is currently insufficient to determine the role of this variant in disease. Therefore, it has been classified as a Variant of Uncertain Significance. Algorithms developed to predict the effect of missense changes on protein structure and function are either unavailable or do not agree on the potential impact of this missense change (SIFT: "Deleterious"; PolyPhen-2: "Benign"; Align-GVGD: "Class C55"). This variant has not been reported in the literature in individuals affected with LAMB1-related conditions. This variant is not present in population databases (gnomAD no frequency).

NM_002291.3(LAMB1):c.2813T>C (p.Val938Ala)

Gene: LAMB1 (laminin subunit beta 1; minus strand). Cytogenetic location: 7q31.1.
Variant type: single nucleotide variant.
Coding change: c.2813T>C on transcript NM_002291.3 (MANE Select); coding-DNA position 2813, T replaced by C.
Protein change: p.Val938Ala; replaces valine 938 with alanine.
Molecular consequence: missense variant.
Genome position (GRCh38, 1-based): chr7:107,955,508, A>G on the plus strand (T>C on the coding strand, the complement: LAMB1 is on the minus strand). VCF-style: chr7-107955508-A-G. GRCh37 (hg19) VCF-style: chr7-107595953-A-G.
Other names: c.2813T>C (NM_002291.2); short protein forms V938A.
Identifiers: ClinVar variation 1919352 (VCV001919352.6), dbSNP rs2033355469, ClinGen allele CA368865604.